The following is an entry in ClinVar:

NM_005609.4(PYGM):c.252C>G (p.Tyr84Ter)

Gene: PYGM (glycogen phosphorylase, muscle associated; minus strand). Cytogenetic location: 11q13.1.
Variant type: single nucleotide variant.
Coding change: c.252C>G on transcript NM_005609.4 (MANE Select); coding-DNA position 252, C replaced by G.
Protein change: p.Tyr84Ter; replaces tyrosine 84 with a stop codon.
Molecular consequence: nonsense. On other transcripts: intron variant (1).
Genome position (GRCh38, 1-based): chr11:64,758,696, G>C on the plus strand (C>G on the coding strand, the complement: PYGM is on the minus strand). VCF-style: chr11-64758696-G-C. GRCh37 (hg19) VCF-style: chr11-64526168-G-C.
Other names: c.244-430C>G (NM_001164716.1); c.252C>G (NM_005609.3); short protein forms Y84*.
Identifiers: ClinVar variation 371276 (VCV000371276.13), dbSNP rs1057517145, ClinGen allele CA16041505.

ClinVar aggregate classification (germline): Pathogenic/Likely pathogenic. Review status: criteria provided, multiple submitters, no conflicts (2 of 4 stars). 4 submissions from 4 submitters: Pathogenic (1); Likely pathogenic (2). 1 of the submissions does not count toward it. Last evaluated 2024-12-15.

Conditions:
Glycogen storage disease, type V (GSD5). Also called: PYGM DEFICIENCY; McArdle type glycogen storage disease; MYOPHOSPHORYLASE DEFICIENCY; MCARDLE DISEASE; MUSCLE GLYCOGEN PHOSPHORYLASE DEFICIENCY. Identifiers: Orphanet 368, MedGen C0017924, MONDO:0009293, OMIM 232600.

Allele frequency attached by ClinVar (database versions not stated): gnomAD 0.00002; TOPMed 0.00002.

Submissions (4):

Natera, Inc.
Classification: Likely pathogenic for Glycogen storage disease V. Last evaluated: 2024-12-15. Review status: criteria provided, single submitter. Criteria: Natera Variant Classification Schema (03/2026). Collection method: clinical testing. Allele origin: germline.
Comment: The c.252C>G variant in PYGM is a nonsense variant predicted to introduce a stop codon at amino acid 84. This variant is expected to result in nonsense mediated decay, truncation, or a dysfunctional protein product. This variant is rare in the general population with a frequency below the threshold expected for the associated phenotype(s). Given the available evidence, this variant is classified as Likely Pathogenic.

Baylor Genetics
Classification: Likely pathogenic for Glycogen storage disease, type V. Last evaluated: 2022-11-24. Review status: criteria provided, single submitter. Criteria: ACMG Guidelines, 2015. Collection method: clinical testing. Allele origin: unknown.

Labcorp Genetics (formerly Invitae), Labcorp
Classification: Pathogenic for Glycogen storage disease, type V. Last evaluated: 2022-07-11. Review status: criteria provided, single submitter. Criteria: Invitae Variant Classification Sherloc (09022015). Collection method: clinical testing. Allele origin: germline.
Comment: This variant has not been reported in the literature in individuals affected with PYGM-related conditions. For these reasons, this variant has been classified as Pathogenic. Algorithms developed to predict the effect of sequence changes on RNA splicing suggest that this variant may disrupt the consensus splice site. ClinVar contains an entry for this variant (Variation ID: 371276). The frequency data for this variant in the population databases is considered unreliable, as metrics indicate poor data quality at this position in the gnomAD database. This sequence change creates a premature translational stop signal (p.Tyr84*) in the PYGM gene. It is expected to result in an absent or disrupted protein product. Loss-of-function variants in PYGM are known to be pathogenic (PMID: 8316268, 16786513).

Counsyl
Classification: Likely pathogenic for Glycogen storage disease, type V. Last evaluated: 2016-08-12. Review status: no assertion criteria provided. Collection method: clinical testing. Allele origin: unknown. Not counted in ClinVar's aggregate classification.

Literature cited by the submitters: PubMed 8316268 (cited by Labcorp Genetics (formerly Invitae), Labcorp); PubMed 16786513 (cited by Labcorp Genetics (formerly Invitae), Labcorp).